The following is an entry in ClinVar:

ClinVar aggregate classification (germline): Conflicting classifications of pathogenicity. Review status: criteria provided, conflicting classifications (1 of 4 stars). 3 submissions from 3 submitters: Uncertain significance (1); Likely benign (2). Last evaluated 2025-11-01.

Conditions:
Growth delay due to insulin-like growth factor type 1 deficiency (IGF1D). Also called: GROWTH RETARDATION WITH SENSORINEURAL DEAFNESS AND MENTAL RETARDATION; IGF1 DEFICIENCY. Identifiers: Orphanet 73272, MedGen C1837475, MONDO:0012110, OMIM 608747.

Allele frequency attached by ClinVar (database versions not stated): TOPMed 0.00006; ExAC 0.00008; ESP Exome Variant Server 0.00008; gnomAD exomes 0.00008 and 0.00014; gnomAD 0.00009 and 0.00010.
gnomAD v4.1: 215 of 1,614,086 alleles (0.013%); highest among the groups gnomAD compares: Non-Finnish European, 0.017%; no homozygotes.

Submissions (3):

CeGaT Center for Human Genetics Tuebingen
Classification: Likely benign. Last evaluated: 2025-11-01. Review status: criteria provided, single submitter. Criteria: CeGaT Center For Human Genetics Tuebingen Variant Classification Criteria Version 2. Collection method: clinical testing. Allele origin: germline. Affected: yes. Observed: 1 variant allele.
Comment: IGF1: BP4, BP7

Blueprint Genetics
Classification: Likely benign. Last evaluated: 2024-09-03. Review status: criteria provided, single submitter. Criteria: ACMG Guidelines, 2015. Collection method: clinical testing. Allele origin: germline.

Illumina Laboratory Services, Illumina
Classification: Uncertain significance for Growth delay due to insulin-like growth factor type 1 deficiency. Last evaluated: 2018-01-13. Review status: criteria provided, single submitter. Criteria: ICSL Variant Classification Criteria 13 December 2019. Collection method: clinical testing. Allele origin: germline.

NM_000618.5(IGF1):c.150G>A (p.Pro50=)

Genes: IGF1 (insulin like growth factor 1; minus strand), LINC02456 (long independently transcribed non-coding RNA 2456; plus strand). Cytogenetic location: 12q23.2.
Variant type: single nucleotide variant.
Coding change: c.150G>A on transcript NM_000618.5 (MANE Select); coding-DNA position 150, G replaced by A.
Protein change: p.Pro50=; no amino-acid change (proline 50 retained).
Molecular consequence: synonymous variant.
Genome position (GRCh38, 1-based): chr12:102,475,713, C>T on the plus strand (G>A on the coding strand, the complement: IGF1 is on the minus strand). VCF-style: chr12-102475713-C-T. GRCh37 (hg19) VCF-style: chr12-102869491-C-T.
Other names: c.150G>A, p.Pro50= (NM_001111283.3, NM_001111285.3); c.102G>A, p.Pro34= (NM_001111284.2).
Identifiers: ClinVar variation 880615 (VCV000880615.11), dbSNP rs373202198, ClinGen allele CA6748609.